The following is an entry in ClinVar:

NM_005045.4(RELN):c.471C>G (p.Phe157Leu)

Gene: RELN (reelin; minus strand). Cytogenetic location: 7q22.1.
Variant type: single nucleotide variant.
Coding change: c.471C>G on transcript NM_005045.4 (MANE Select); coding-DNA position 471, C replaced by G.
Protein change: p.Phe157Leu; replaces phenylalanine 157 with leucine.
Molecular consequence: missense variant.
Genome position (GRCh38, 1-based): chr7:103,833,539, G>C on the plus strand (C>G on the coding strand, the complement: RELN is on the minus strand). VCF-style: chr7-103833539-G-C. GRCh37 (hg19) VCF-style: chr7-103473986-G-C.
Other names: c.471C>G, p.Phe157Leu (NM_173054.3); short protein forms F157L.
Identifiers: ClinVar variation 3372202 (VCV003372202.1).
Genomic context (GRCh38, chr7:103,833,539, plus strand): 5'-CATGAGAAGTCCTAAGTATTTGCCTTCTGTACGTATGGCAGACACTTTGGGTACTTACAT[G>C]AAATTCACACAGCCTGTGCCCGCAGGTGGAGCAATCCAGATGAAACTGAGGTTGGTTGTG-3'
Protein context (NP_005036.2, residues 147-167): APPAGTGCVN[Phe157Leu]MATATHRGQV

ClinVar aggregate classification (germline): Uncertain significance (1 of 4 stars; one submission).

Submission:

GeneDx
Classification: Uncertain significance. Last evaluated: 2024-04-12. Review status: criteria provided, single submitter. Criteria: GeneDx Variant Classification Process June 2021. Collection method: clinical testing. Allele origin: germline. Affected: yes.
Comment: Not observed at significant frequency in large population cohorts (gnomAD); In silico analysis indicates that this missense variant does not alter protein structure/function; Has not been previously published as pathogenic or benign to our knowledge